The following is an entry in ClinVar:

ClinVar aggregate classification (germline): Benign/Likely benign. Review status: criteria provided, multiple submitters, no conflicts (2 of 4 stars). 4 submissions from 3 submitters: Benign (1); Likely benign (3). Last evaluated 2018-01-13.

Conditions:
Dilated cardiomyopathy 1Z (CMD1Z). Identifiers: Orphanet 154, MedGen C2678475, MONDO:0012745, OMIM 611879.
Hypertrophic cardiomyopathy 13. Also called: TNNC1-Related Familial Hypertrophic Cardiomyopathy. Identifiers: MedGen C2750472, MONDO:0013195, OMIM 613243.

Allele frequency attached by ClinVar (database versions not stated): gnomAD exomes 0.00150; gnomAD 0.01198 and 0.01295; ESP Exome Variant Server 0.01270; TOPMed 0.01394; 1000 Genomes Project 0.01478; 1000 Genomes Project 30x 0.01562.

Submissions (4):

Illumina Laboratory Services, Illumina
Classification: Likely benign for Hypertrophic cardiomyopathy 13. Last evaluated: 2018-01-13. Review status: criteria provided, single submitter. Criteria: ICSL Variant Classification Criteria 13 December 2019. Collection method: clinical testing. Allele origin: germline.
Comment: This variant was observed in the ICSL laboratory as part of a predisposition screen in an ostensibly healthy population. It had not been previously curated by ICSL or reported in the Human Gene Mutation Database (HGMD: prior to June 1st, 2018), and was therefore a candidate for classification through an automated scoring system. Utilizing variant allele frequency, disease prevalence and penetrance estimates, and inheritance mode, an automated score was calculated to assess if this variant is too frequent to cause the disease. Based on the score and internal cut-off values, a variant classified as likely benign is not then subjected to further curation. The score for this variant resulted in a classification of likely benign for this disease.

Illumina Laboratory Services, Illumina
Classification: Likely benign for Dilated cardiomyopathy 1Z. Last evaluated: 2018-01-13. Review status: criteria provided, single submitter. Criteria: ICSL Variant Classification Criteria 13 December 2019. Collection method: clinical testing. Allele origin: germline.
Comment: the same text as in the submission from Illumina Laboratory Services, Illumina above.

GeneDx
Classification: Benign. Last evaluated: 2015-03-03. Review status: criteria provided, single submitter. Criteria: GeneDx Variant Classification Process June 2021. Collection method: clinical testing. Allele origin: germline. Affected: yes.

Breakthrough Genomics
Classification: Likely benign. Review status: criteria provided, single submitter. Criteria: ACMG Guidelines, 2015. Collection method: not provided. Allele origin: germline. Inheritance: Autosomal dominant inheritance. Affected: yes.

NM_003280.3(TNNC1):c.*83A>C

Gene: TNNC1 (troponin C1, slow skeletal and cardiac type; minus strand). Cytogenetic location: 3p21.1.
Variant type: single nucleotide variant.
Coding change: c.*83A>C on transcript NM_003280.3 (MANE Select); 83 bases downstream of the stop codon, A replaced by C.
Molecular consequence: 3 prime UTR variant.
Genome position (GRCh38, 1-based): chr3:52,451,192, T>G on the plus strand (A>C on the coding strand, the complement: TNNC1 is on the minus strand). VCF-style: chr3-52451192-T-G. GRCh37 (hg19) VCF-style: chr3-52485208-T-G.
Other names: c.*83A>C (LRG_378t1).
Identifiers: ClinVar variation 346129 (VCV000346129.8), dbSNP rs115688995, ClinGen allele CA10617000.